The following is an entry in ClinVar:

NM_002907.4(RECQL):c.303C>T (p.Asn101=)

Gene: RECQL (RecQ like helicase; minus strand). Cytogenetic location: 12p12.1.
Variant type: single nucleotide variant.
Coding change: c.303C>T on transcript NM_002907.4 (MANE Select); coding-DNA position 303, C replaced by T.
Protein change: p.Asn101=; no amino-acid change (asparagine 101 retained).
Molecular consequence: synonymous variant.
Genome position (GRCh38, 1-based): chr12:21,490,290, G>A on the plus strand (C>T on the coding strand, the complement: RECQL is on the minus strand). VCF-style: chr12-21490290-G-A. GRCh37 (hg19) VCF-style: chr12-21643224-G-A.
Other names: c.303C>T, p.Asn101= (NM_032941.3).
Identifiers: ClinVar variation 1078025 (VCV001078025.14), dbSNP rs368338459, ClinGen allele CA6479137.

ClinVar aggregate classification (germline): Likely benign. Review status: criteria provided, multiple submitters, no conflicts (2 of 4 stars). 4 submissions from 4 submitters: Likely benign (3). 1 of the submissions does not count toward it. Last evaluated 2025-08-06.

Conditions:
RECQL-related disorder. Also called: RECQL-related condition.

Allele frequency attached by ClinVar (database versions not stated): gnomAD 0.00001 and 0.00003; TOPMed 0.00003; gnomAD exomes 0.00006; ExAC 0.00007; ESP Exome Variant Server 0.00008.
gnomAD v4.1: 79 of 1,612,278 alleles (0.0049%); highest among the groups gnomAD compares: South Asian, 0.026%; no homozygotes.

Submissions (4):

Labcorp Genetics (formerly Invitae), Labcorp
Classification: Likely benign. Last evaluated: 2025-08-06. Review status: criteria provided, single submitter. Criteria: Invitae Variant Classification Sherloc (09022015). Collection method: clinical testing. Allele origin: germline.

Blueprint Genetics
Classification: Likely benign. Last evaluated: 2024-09-16. Review status: criteria provided, single submitter. Criteria: ACMG Guidelines, 2015. Collection method: clinical testing. Allele origin: germline.

Ambry Genetics
Classification: Likely benign. Last evaluated: 2022-02-17. Review status: criteria provided, single submitter. Criteria: Ambry Variant Classification Scheme 2023. Collection method: clinical testing. Allele origin: germline.

PreventionGenetics, part of Exact Sciences
Classification: Likely benign for RECQL-related condition. Last evaluated: 2019-07-01. Review status: no assertion criteria provided. Collection method: clinical testing. Allele origin: germline. Not counted in ClinVar's aggregate classification.
Comment: This variant is classified as likely benign based on ACMG/AMP sequence variant interpretation guidelines (Richards et al. 2015 PMID: 25741868, with internal and published modifications).